The following is an entry in ClinVar:

ClinVar aggregate classification (germline): Likely benign (0 of 4 stars; one submission).

Conditions:
CIC-related disorder. Also called: CIC-related condition.

Allele frequency attached by ClinVar (database versions not stated): gnomAD exomes below 0.00001; TOPMed below 0.00001.

Submission:

PreventionGenetics, part of Exact Sciences
Classification: Likely benign for CIC-related condition. Last evaluated: 2020-02-14. Review status: no assertion criteria provided. Collection method: clinical testing. Allele origin: germline.
Comment: This variant is classified as likely benign based on ACMG/AMP sequence variant interpretation guidelines (Richards et al. 2015 PMID: 25741868, with internal and published modifications).

NM_001386298.1(CIC):c.1419A>G (p.Pro473=)

Gene: CIC (capicua transcriptional repressor; plus strand). Cytogenetic location: 19q13.2.
Variant type: single nucleotide variant.
Coding change: c.1419A>G on transcript NM_001386298.1 (MANE Select); coding-DNA position 1419, A replaced by G.
Protein change: p.Pro473=; no amino-acid change (proline 473 retained).
Molecular consequence: synonymous variant.
Genome position (GRCh38, 1-based): chr19:42,273,202, A>G. VCF-style: chr19-42273202-A-G. GRCh37 (hg19) VCF-style: chr19-42777354-A-G.
Other names: c.1419A>G, p.Pro473= (NM_001304815.2, NM_001379480.1, NM_001379482.1 and 1 more transcripts).
Identifiers: ClinVar variation 3051354 (VCV003051354.2), dbSNP rs2036851373, ClinGen allele CA507701865.
Genomic context (GRCh38, chr19:42,273,202, plus strand): 5'-CAGCAGCAGCGTGGCCTCCCTGGAAAAGGGGACAGCACCGGCAGCCCGGGCCCGCACGCC[A>G]CTGACAGCCGCCCAGCAGAAGTACAAGAAGGGCGATGTGGTCTGCACACCCAGCGGAATA-3'
Protein context (NP_001373227.1, residues 463-483): GTAPAARART[Pro473=]LTAAQQKYKK